The following is an entry in ClinVar:

NM_018136.5(ASPM):c.70_71del (p.Leu24fs)

Gene: ASPM (assembly factor for spindle microtubules; minus strand). Cytogenetic location: 1q31.3.
Variant type: Deletion.
Coding change: c.70_71del on transcript NM_018136.5 (MANE Select); coding-DNA positions 70 to 71, 2 bases deleted (CT; older notation c.70_71delCT).
Protein change: p.Leu24fs; shifts the reading frame from leucine 24.
Molecular consequence: frameshift variant.
Genome position (GRCh38, 1-based): chr1:197,146,367-197,146,368, AG deleted on the plus strand (CT on the coding strand, the reverse complement: ASPM is on the minus strand). VCF-style (leftmost placement, unchanged base first): chr1-197146366-CAG-C. GRCh37 (hg19) VCF-style: chr1-197115496-CAG-C.
Other names: c.70_71del, p.Leu24fs (NM_001206846.2); short protein forms L24fs.
Identifiers: ClinVar variation 5016529 (VCV005016529.1).

ClinVar aggregate classification (germline): Pathogenic (1 of 4 stars; one submission).

Conditions:
Fetal anomalies with a likely genetic cause.

Submission:

Genetics Laboratory, Great Ormond Street Hospital NHS Foundation Trust, North Thames Genomic Laboratory Hub
Classification: Pathogenic for Fetal anomalies with a likely genetic cause. Last evaluated: 2026-08-13. Review status: criteria provided, single submitter. Criteria: ACGS Best Practice Guidelines for Variant Classification in Rare Disease 2024 v1.2. Collection method: clinical testing. Allele origin: germline. Affected: yes.
Comment: PM2_moderate, PVS1_very-strong